The following is an entry in ClinVar:

ClinVar aggregate classification (germline): Uncertain significance (1 of 4 stars; one submission).

Conditions:
Long QT syndrome (LQTS). Identifiers: MedGen C0023976, MeSH D008133, MONDO:0002442. Disease mechanism: loss of function. Inheritance: Various modes of inheritance.

Submissions (2):

Labcorp Genetics (formerly Invitae), Labcorp
Classification: Uncertain significance for Long QT syndrome. Last evaluated: 2025-07-29. Review status: criteria provided, single submitter. Criteria: Invitae Variant Classification Sherloc (09022015). Collection method: clinical testing. Allele origin: germline.
Comment: This sequence change replaces serine, which is neutral and polar, with threonine, which is neutral and polar, at codon 34 of the KCNE1 protein (p.Ser34Thr). This variant is present in population databases (no rsID available, gnomAD 0.006%). This variant has not been reported in the literature in individuals affected with KCNE1-related conditions. ClinVar contains an entry for this variant (Variation ID: 3374047). Invitae Evidence Modeling of protein sequence and biophysical properties (such as structural, functional, and spatial information, amino acid conservation, physicochemical variation, residue mobility, and thermodynamic stability) indicates that this missense variant is not expected to disrupt KCNE1 protein function with a negative predictive value of 95%. In summary, the available evidence is currently insufficient to determine the role of this variant in disease. Therefore, it has been classified as a Variant of Uncertain Significance.

Roden Lab, Vanderbilt University Medical Center
No classification provided (evidence only). Condition: Long QT syndrome 5. Review status: no classification provided. Collection method: in vitro. Allele origin: not applicable. Functional consequence: Effect on ion channel function. Not counted in ClinVar's aggregate classification.
ClinVar note: "not provided" was previously submitted as the classification for the variant. However, the classification appeared to be based only on an observation of functional data so it was converted to no classification on 2025-07-30.

NM_000219.6(KCNE1):c.100T>A (p.Ser34Thr)

Gene: KCNE1 (potassium voltage-gated channel subfamily E regulatory subunit 1; minus strand). Cytogenetic location: 21q22.12.
Variant type: single nucleotide variant.
Coding change: c.100T>A on transcript NM_000219.6 (MANE Select); coding-DNA position 100, T replaced by A.
Protein change: p.Ser34Thr; replaces serine 34 with threonine.
Molecular consequence: missense variant.
Genome position (GRCh38, 1-based): chr21:34,449,535, A>T on the plus strand (T>A on the coding strand, the complement: KCNE1 is on the minus strand). VCF-style: chr21-34449535-A-T. GRCh37 (hg19) VCF-style: chr21-35821833-A-T.
Other names: c.100T>A, p.Ser34Thr (NM_001127668.4, NM_001127669.4, NM_001127670.4 and 4 more transcripts); short protein forms S34T.
Identifiers: ClinVar variation 3374047 (VCV003374047.3).
Genomic context (GRCh38, chr21:34,449,535, plus strand): 5'-AGAATCCCAGTACCATGAGGACGTAGAGGGCCTCCAGCTTGCCGTCACTGCTGCGGGGGG[A>T]CCTGCGGGCCAGGCCCGACATGTTGCCACCCTGCTGAACTGTCTCCTGCCACAGCTTGGT-3'
Protein context (NP_000210.2, residues 24-44): GGNMSGLARR[Ser34Thr]PRSSDGKLEA